The following is an entry in ClinVar:

NM_022166.4(XYLT1):c.173C>T (p.Pro58Leu)

Gene: XYLT1 (xylosyltransferase 1; minus strand). Cytogenetic location: 16p12.3.
Variant type: single nucleotide variant.
Coding change: c.173C>T on transcript NM_022166.4 (MANE Select); coding-DNA position 173, C replaced by T.
Protein change: p.Pro58Leu; replaces proline 58 with leucine.
Molecular consequence: missense variant.
Genome position (GRCh38, 1-based): chr16:17,470,624, G>A on the plus strand (C>T on the coding strand, the complement: XYLT1 is on the minus strand). VCF-style: chr16-17470624-G-A. GRCh37 (hg19) VCF-style: chr16-17564481-G-A.
Other names: c.173C>T (NM_022166.3); short protein forms P58L.
Identifiers: ClinVar variation 1020922 (VCV001020922.6), dbSNP rs984714850, ClinGen allele CA279106531.

ClinVar aggregate classification (germline): Uncertain significance. Review status: criteria provided, multiple submitters, no conflicts (2 of 4 stars). 2 submissions from 2 submitters: Uncertain significance (2). Last evaluated 2025-12-09.

Conditions:
Inborn genetic diseases. Identifiers: MedGen C0950123, MeSH D030342.
Desbuquois dysplasia 1 (DBQD1). Also called: MICROMELIC DWARFISM WITH VERTEBRAL AND METAPHYSEAL ABNORMALITIES AND ADVANCED CARPOTARSAL OSSIFICATION; DESBUQUOIS DYSPLASIA 1, KIM VARIANT. Identifiers: Orphanet 1425, MedGen C4012146, MONDO:0009629, OMIM 251450.

Allele frequency attached by ClinVar (database versions not stated): gnomAD 0.00010; TOPMed 0.00017; gnomAD exomes 0.00019.
gnomAD v4.1: 191 of 1,113,216 alleles (0.017%); highest among the groups gnomAD compares: Non-Finnish European, 0.02%; no homozygotes.

Submissions (2):

Ambry Genetics
Classification: Uncertain significance for Inborn genetic diseases. Last evaluated: 2025-12-09. Review status: criteria provided, single submitter. Criteria: Ambry Variant Classification Scheme 2023. Collection method: clinical testing. Allele origin: germline.

Labcorp Genetics (formerly Invitae), Labcorp
Classification: Uncertain significance for Desbuquois dysplasia 1. Last evaluated: 2022-10-28. Review status: criteria provided, single submitter. Criteria: Invitae Variant Classification Sherloc (09022015). Collection method: clinical testing. Allele origin: germline.
Comment: This sequence change replaces proline, which is neutral and non-polar, with leucine, which is neutral and non-polar, at codon 58 of the XYLT1 protein (p.Pro58Leu). This variant is present in population databases (no rsID available, gnomAD 0.01%). This variant has not been reported in the literature in individuals affected with XYLT1-related conditions. ClinVar contains an entry for this variant (Variation ID: 1020922). Advanced modeling of protein sequence and biophysical properties (such as structural, functional, and spatial information, amino acid conservation, physicochemical variation, residue mobility, and thermodynamic stability) performed at Invitae indicates that this missense variant is not expected to disrupt XYLT1 protein function. In summary, the available evidence is currently insufficient to determine the role of this variant in disease. Therefore, it has been classified as a Variant of Uncertain Significance.